The following is an entry in ClinVar:

ClinVar aggregate classification (germline): Pathogenic (1 of 4 stars; one submission).

Submission:

Labcorp Genetics (formerly Invitae), Labcorp
Classification: Pathogenic. Last evaluated: 2024-03-21. Review status: criteria provided, single submitter. Criteria: Invitae Variant Classification Sherloc (09022015). Collection method: clinical testing. Allele origin: germline.
Comment: This sequence change creates a premature translational stop signal (p.Glu1380*) in the OTOF gene. It is expected to result in an absent or disrupted protein product. Loss-of-function variants in OTOF are known to be pathogenic (PMID: 18381613, 19250381, 22575033). This variant is not present in population databases (gnomAD no frequency). This variant has not been reported in the literature in individuals affected with OTOF-related conditions. For these reasons, this variant has been classified as Pathogenic.

Literature cited by the submitters: PubMed 18381613; PubMed 19250381; PubMed 22575033.

NM_194248.3(OTOF):c.4138G>T (p.Glu1380Ter)

Gene: OTOF (otoferlin; minus strand). Cytogenetic location: 2p23.3.
Variant type: single nucleotide variant.
Coding change: c.4138G>T on transcript NM_194248.3 (MANE Select); coding-DNA position 4138, G replaced by T.
Protein change: p.Glu1380Ter; replaces glutamic acid 1380 with a stop codon.
Molecular consequence: nonsense.
Genome position (GRCh38, 1-based): chr2:26,467,454, C>A on the plus strand (G>T on the coding strand, the complement: OTOF is on the minus strand). VCF-style: chr2-26467454-C-A. GRCh37 (hg19) VCF-style: chr2-26690322-C-A.
Other names: c.4138G>T, p.Glu1380Ter (NM_001287489.2); c.1837G>T, p.Glu613Ter (NM_004802.4, NM_194323.3); c.2068G>T, p.Glu690Ter (NM_194322.3); short protein forms E1380*, E690*, E613*.
Identifiers: ClinVar variation 3632270 (VCV003632270.2).